The following is an entry in ClinVar:

ClinVar aggregate classification (germline): Conflicting classifications of pathogenicity. Review status: criteria provided, conflicting classifications (1 of 4 stars). 5 submissions from 5 submitters: Uncertain significance (3); Likely benign (1). 1 of the submissions does not count toward it. Last evaluated 2024-05-07.

Conditions:
Smith-Magenis syndrome (SMS). Also called: CHROMOSOME 17p11.2 DELETION SYNDROME. Identifiers: Orphanet 819, MedGen C0795864, MONDO:0008434, OMIM 182290.
RAI1-related disorder. Also called: RAI1-related condition.

Allele frequency attached by ClinVar (database versions not stated): gnomAD 0.00001; gnomAD exomes 0.00001 and 0.00002; TOPMed 0.00001.
gnomAD v4.1: 10 of 1,612,830 alleles (0.00062%); highest among the groups gnomAD compares: South Asian, 0.0033%; no homozygotes.

Submissions (5):

Labcorp Genetics (formerly Invitae), Labcorp
Classification: Likely benign. Last evaluated: 2024-05-07. Review status: criteria provided, single submitter. Criteria: Invitae Variant Classification Sherloc (09022015). Collection method: clinical testing. Allele origin: germline.

CeGaT Center for Human Genetics Tuebingen
Classification: Uncertain significance. Last evaluated: 2023-08-01. Review status: criteria provided, single submitter. Criteria: CeGaT Center For Human Genetics Tuebingen Variant Classification Criteria Version 2. Collection method: clinical testing. Allele origin: germline. Affected: yes. Observed: 1 variant allele.

Fulgent Genetics
Classification: Uncertain significance for Smith-Magenis syndrome. Last evaluated: 2018-10-31. Review status: criteria provided, single submitter. Criteria: ACMG Guidelines, 2015. Collection method: clinical testing. Allele origin: unknown.

Genetic Services Laboratory, University of Chicago
Classification: Uncertain significance. Last evaluated: 2015-11-19. Review status: criteria provided, single submitter. Criteria: ACMG Guidelines, 2015. Collection method: clinical testing. Allele origin: germline. Affected: no.

PreventionGenetics, part of Exact Sciences
Classification: Uncertain significance for RAI1-related condition. Last evaluated: 2024-09-16. Review status: no assertion criteria provided. Collection method: clinical testing. Allele origin: germline. Not counted in ClinVar's aggregate classification.
Comment: The RAI1 c.1471G>A variant is predicted to result in the amino acid substitution p.Glu491Lys. This variant was reported to have occurred de novo in an individual with a developmental disorder (Supplementary Table 1, McRae et al 2017. PubMed ID: 28135719). This variant is reported in 0.0065% of alleles in individuals of South Asian descent in gnomAD. At this time, the clinical significance of this variant is uncertain due to the absence of conclusive functional and genetic evidence.

NM_030665.4(RAI1):c.1471G>A (p.Glu491Lys)

Gene: RAI1 (retinoic acid induced 1; plus strand). Cytogenetic location: 17p11.2.
Variant type: single nucleotide variant.
Coding change: c.1471G>A on transcript NM_030665.4 (MANE Select); coding-DNA position 1471, G replaced by A.
Protein change: p.Glu491Lys; replaces glutamic acid 491 with lysine.
Molecular consequence: missense variant.
Genome position (GRCh38, 1-based): chr17:17,794,419, G>A. VCF-style: chr17-17794419-G-A. GRCh37 (hg19) VCF-style: chr17-17697733-G-A.
Other names: short protein forms E491K.
Identifiers: ClinVar variation 436495 (VCV000436495.35), dbSNP rs527757515, ClinGen allele CA288367741.